The following is an entry in ClinVar:

ClinVar aggregate classification (germline): Uncertain significance (1 of 4 stars; one submission).

Conditions:
Familial thoracic aortic aneurysm and aortic dissection (TAAD). Also called: Thoracic aortic aneurysms and dissections. Identifiers: Orphanet 91387, MedGen C4707243, MONDO:0019625.

Submission:

Ambry Genetics
Classification: Uncertain significance for Familial thoracic aortic aneurysm and aortic dissection. Last evaluated: 2026-05-14. Review status: criteria provided, single submitter. Criteria: Ambry Variant Classification Scheme 2023. Collection method: clinical testing. Allele origin: germline.
Comment: The p.D56E variant (also known as c.168C>G), located in coding exon 1 of the TGFB2 gene, results from a C to G substitution at nucleotide position 168. The aspartic acid at codon 56 is replaced by glutamic acid, an amino acid with highly similar properties. This amino acid position is conserved. In addition, this alteration is predicted to be tolerated by in silico analysis. Based on the available evidence, the clinical significance of this variant remains unclear.

NM_003238.6(TGFB2):c.168C>G (p.Asp56Glu)

Gene: TGFB2 (transforming growth factor beta 2; plus strand). Cytogenetic location: 1q41.
Variant type: single nucleotide variant.
Coding change: c.168C>G on transcript NM_003238.6 (MANE Select); coding-DNA position 168, C replaced by G.
Protein change: p.Asp56Glu; replaces aspartic acid 56 with glutamic acid.
Molecular consequence: missense variant. On other transcripts: non-coding transcript variant (2).
Genome position (GRCh38, 1-based): chr1:218,346,869, C>G. VCF-style: chr1-218346869-C-G. GRCh37 (hg19) VCF-style: chr1-218520211-C-G.
Other names: c.168C>G, p.Asp56Glu (NM_001135599.4); short protein forms D56E.
Identifiers: ClinVar variation 4865643 (VCV004865643.1).